The following is an entry in ClinVar:

ClinVar aggregate classification (germline): Uncertain significance (1 of 4 stars; one submission).

Conditions:
Charcot-Marie-Tooth disease type 2. Also called: Charcot-Marie-Tooth type 2. Identifiers: Orphanet 64746, MedGen C0270914, MONDO:0018993.

Allele frequency attached by ClinVar (database versions not stated): gnomAD exomes below 0.00001; TOPMed 0.00001; gnomAD 0.00001.
gnomAD v4.1: 4 of 1,613,850 alleles (0.00025%); highest among the groups gnomAD compares: Non-Finnish European, 0.00034%; no homozygotes.

Submission:

Labcorp Genetics (formerly Invitae), Labcorp
Classification: Uncertain significance for Charcot-Marie-Tooth disease type 2. Last evaluated: 2025-07-28. Review status: criteria provided, single submitter. Criteria: Invitae Variant Classification Sherloc (09022015). Collection method: clinical testing. Allele origin: germline.
Comment: This sequence change replaces alanine, which is neutral and non-polar, with threonine, which is neutral and polar, at codon 429 of the AARS protein (p.Ala429Thr). This variant is present in population databases (no rsID available, gnomAD 0.0009%). This variant has not been reported in the literature in individuals affected with AARS-related conditions. ClinVar contains an entry for this variant (Variation ID: 857448). Invitae Evidence Modeling of protein sequence and biophysical properties (such as structural, functional, and spatial information, amino acid conservation, physicochemical variation, residue mobility, and thermodynamic stability) indicates that this missense variant is not expected to disrupt AARS protein function with a negative predictive value of 95%. In summary, the available evidence is currently insufficient to determine the role of this variant in disease. Therefore, it has been classified as a Variant of Uncertain Significance.

NM_001605.3(AARS1):c.1285G>A (p.Ala429Thr)

Gene: AARS1 (alanyl-tRNA synthetase 1; minus strand). Cytogenetic location: 16q22.1.
Variant type: single nucleotide variant.
Coding change: c.1285G>A on transcript NM_001605.3 (MANE Select); coding-DNA position 1285, G replaced by A.
Protein change: p.Ala429Thr; replaces alanine 429 with threonine.
Molecular consequence: missense variant.
Genome position (GRCh38, 1-based): chr16:70,265,600, C>T on the plus strand (G>A on the coding strand, the complement: AARS1 is on the minus strand). VCF-style: chr16-70265600-C-T. GRCh37 (hg19) VCF-style: chr16-70299503-C-T.
Other names: short protein forms A429T.
Identifiers: ClinVar variation 857448 (VCV000857448.9), dbSNP rs1446399906, ClinGen allele CA396562063.
Genomic context (GRCh38, chr16:70,265,600, plus strand): 5'-GGGCCAGTTTCCTCTCCTCTTCAAAGCCATCCATGTCTACCACCAGGCCCTTCTCTTCAG[C>T]AATCAGTCCAGTCAGATCCACTGGAAACCCATAGGTGTCATAGAGGAGCCAAGCAGTGTC-3'
Protein context (NP_001596.2, residues 419-439): GFPVDLTGLI[Ala429Thr]EEKGLVVDMD